The following is an entry in ClinVar:

NM_001365.5(DLG4):c.154_155del (p.Gln53fs)

Genes: ACADVL (acyl-CoA dehydrogenase very long chain; plus strand), DLG4 (discs large MAGUK scaffold protein 4; minus strand). Cytogenetic location: 17p13.1.
Variant type: Microsatellite.
Coding change: c.154_155del on transcript NM_001365.5 (MANE Plus Clinical); coding-DNA positions 154 to 155, 2 bases deleted (AG; older notation c.154_155delAG).
Protein change: p.Gln53fs; shifts the reading frame from glutamine 53.
Molecular consequence: frameshift variant. On other transcripts: non-coding transcript variant (1), intron variant (1).
Genome position (GRCh38, 1-based): chr17:7,218,245-7,218,246, CT deleted on the plus strand (AG on the coding strand, the reverse complement: DLG4 is on the minus strand); deleting any 2 consecutive bases within chr17:7,218,245-7,218,250 gives the same sequence; the c. name uses the placement nearest the transcript's 3' end. VCF-style (leftmost placement, unchanged base first): chr17-7218244-ACT-A. GRCh37 (hg19) VCF-style: chr17-7121563-ACT-A.
Other names: c.154_155del, p.Gln53fs (NM_001321074.1); c.131+427CT[2] (NM_001270447.2); short protein forms Q53fs.
Identifiers: ClinVar variation 2285545 (VCV002285545.2), dbSNP rs780212257, ClinGen allele CA8337393.

ClinVar aggregate classification (germline): Uncertain significance (1 of 4 stars; one submission).

Conditions:
Inborn genetic diseases. Identifiers: MedGen C0950123, MeSH D030342.

Submission:

Ambry Genetics
Classification: Uncertain significance for Inborn genetic diseases. Last evaluated: 2022-05-14. Review status: criteria provided, single submitter. Criteria: Ambry Variant Classification Scheme 2023. Collection method: clinical testing. Allele origin: germline.
Comment: This region of the gene is excluded from other biologically relevant transcripts Based on insufficient or conflicting evidence, the clinical significance of this alteration remains unclear.